The following is an entry in ClinVar:

NM_206933.4(USH2A):c.11875_11876del (p.Gln3959fs)

Gene: USH2A (usherin; minus strand). Cytogenetic location: 1q41.
Variant type: Microsatellite.
Coding change: c.11875_11876del on transcript NM_206933.4 (MANE Select); coding-DNA positions 11875 to 11876, 2 bases deleted (CA; older notation c.11875_11876delCA).
Protein change: p.Gln3959fs; shifts the reading frame from glutamine 3959.
Molecular consequence: frameshift variant.
Genome position (GRCh38, 1-based): chr1:215,728,220-215,728,221, TG deleted on the plus strand (CA on the coding strand, the reverse complement: USH2A is on the minus strand); deleting any 2 consecutive bases within chr1:215,728,220-215,728,224 gives the same sequence; the c. name uses the placement nearest the transcript's 3' end. VCF-style (leftmost placement, unchanged base first): chr1-215728219-TTG-T. GRCh37 (hg19) VCF-style: chr1-215901561-TTG-T.
Other names: c.11875_11876del (NM_206933.2); short protein forms Q3959fs.
Identifiers: ClinVar variation 198318 (VCV000198318.22), dbSNP rs779791079, ClinGen allele CA275365.

ClinVar aggregate classification (germline): Pathogenic/Likely pathogenic. Review status: criteria provided, multiple submitters, no conflicts (2 of 4 stars). 12 submissions from 11 submitters: Pathogenic (7); Likely pathogenic (3). 2 of the submissions do not count toward it. Last evaluated 2025-11-19.

Conditions:
USH2A-related disorder. Also called: USH2A-related condition; USH2A-related disorders. Identifiers: MedGen CN239332.
Usher syndrome type 2A. Also called: RETINAL DISEASE IN USHER SYNDROME TYPE IIA, MODIFIER OF; USHER SYNDROME, TYPE IIA. Identifiers: Orphanet 231178, Orphanet 886, MedGen C1848634, MONDO:0010169, OMIM 276901.
Retinitis pigmentosa 39 (RP39). Identifiers: Orphanet 791, MedGen C3151138, MONDO:0013436, OMIM 613809.
Retinitis pigmentosa (RP). Identifiers: Orphanet 791, MedGen C0035334, MeSH D012174, MONDO:0019200, OMIM 268000. Inheritance: Autosomal dominant, autosomal recessive and X linked inheritance.

Submissions (12):

Labcorp Genetics (formerly Invitae), Labcorp
Classification: Pathogenic. Last evaluated: 2025-11-19. Review status: criteria provided, single submitter. Criteria: Invitae Variant Classification Sherloc (09022015). Collection method: clinical testing. Allele origin: germline.
Comment: This sequence change creates a premature translational stop signal (p.Gln3959Asnfs*53) in the USH2A gene. It is expected to result in an absent or disrupted protein product. Loss-of-function variants in USH2A are known to be pathogenic (PMID: 10729113, 10909849, 20507924, 25649381). This variant is present in population databases (rs779791079, gnomAD 0.002%). This premature translational stop signal has been observed in individual(s) with clinical features of retinal dystrophy (PMID: 28041643). ClinVar contains an entry for this variant (Variation ID: 198318). For these reasons, this variant has been classified as Pathogenic.

Natera, Inc.
Classification: Pathogenic for Usher syndrome type 2A. Last evaluated: 2025-07-28. Review status: criteria provided, single submitter. Criteria: Natera Variant Classification Schema (03/2026). Collection method: clinical testing. Allele origin: germline.
Comment: The c.11875_11876delCA variant in USH2A is a frameshift variant predicted to shift the reading frame beginning at codon 3959 and leads to a stop codon 53 codons downstream. This variant is expected to result in nonsense mediated decay, truncation, or a dysfunctional protein product. This variant is rare in the general population with a frequency below the threshold expected for the associated phenotype(s). This variant has been observed in one or more individuals affected with the associated recessive disease, as either homozygous or compound heterozygous with a second variant (PMID: 27318125). Given the available evidence, this variant is classified as Pathogenic.

GeneDx
Classification: Pathogenic. Last evaluated: 2025-05-05. Review status: criteria provided, single submitter. Criteria: GeneDx Variant Classification Process June 2021. Collection method: clinical testing. Allele origin: germline. Affected: yes.
Comment: Frameshift variant predicted to result in protein truncation or nonsense mediated decay in a gene for which loss of function is a known mechanism of disease; Not observed at significant frequency in large population cohorts (gnomAD); This variant is associated with the following publications: (PMID: 24944099, 18273898, 23891399, 31964843, 28041643, 32037395, 35266249, 36011334, 34948090, 36819107, 32581362, 34906470)

Blueprint Genetics
Classification: Pathogenic for USH2A-related disorders. Last evaluated: 2024-07-23. Review status: criteria provided, single submitter. Criteria: ACMG Guidelines, 2015. Collection method: clinical testing. Allele origin: germline. Affected: yes. Observed: 5 variant alleles.

Baylor Genetics
Classification: Pathogenic for Retinitis pigmentosa 39. Last evaluated: 2024-03-04. Review status: criteria provided, single submitter. Criteria: ACMG Guidelines, 2015. Collection method: clinical testing. Allele origin: unknown.

Genome-Nilou Lab
Classification: Likely pathogenic for Retinitis pigmentosa 39. Last evaluated: 2023-11-04. Review status: criteria provided, single submitter. Criteria: ACMG Guidelines, 2015. Collection method: clinical testing. Allele origin: germline. Affected: no.

Genome-Nilou Lab
Classification: Likely pathogenic for Usher syndrome type 2A. Last evaluated: 2023-11-04. Review status: criteria provided, single submitter. Criteria: ACMG Guidelines, 2015. Collection method: clinical testing. Allele origin: germline. Affected: no.

Fulgent Genetics
Classification: Likely pathogenic for Usher syndrome type 2A; Retinitis pigmentosa 39. Last evaluated: 2022-03-30. Review status: criteria provided, single submitter. Criteria: ACMG Guidelines, 2015. Collection method: clinical testing. Allele origin: unknown.

Ocular Genomics Institute, Massachusetts Eye and Ear
Classification: Pathogenic for Retinitis pigmentosa 39. Last evaluated: 2021-04-08. Review status: criteria provided, single submitter. Criteria: ACMG Guidelines, 2015. Collection method: research. Allele origin: germline. Affected: yes.
Comment: Through a review of available evidence we were able to apply the following criteria: PVS1, PM2, PP3. Based on this evidence we have classified this variant as Pathogenic.

Eurofins Ntd Llc (ga)
Classification: Pathogenic. Last evaluated: 2014-10-08. Review status: criteria provided, single submitter. Criteria: EGL Classification Definitions 2015. Collection method: clinical testing. Allele origin: germline. Observed: 2 variant alleles, 2 heterozygotes.

Counsyl
Classification: Pathogenic for Usher syndrome type 2A; Retinitis pigmentosa 39. Last evaluated: 2017-11-26. Review status: no assertion criteria provided. Collection method: clinical testing. Allele origin: unknown. Not counted in ClinVar's aggregate classification.

NIHR Bioresource Rare Diseases, University of Cambridge
Classification: Pathogenic for Retinitis pigmentosa. Last evaluated: 2015-01-01. Review status: no assertion criteria provided. Collection method: research. Allele origin: unknown. Affected: yes. Observed: 1 variant allele. Not counted in ClinVar's aggregate classification.

Literature cited by the submitters: PubMed 10729113 (cited by Labcorp Genetics (formerly Invitae), Labcorp); PubMed 10909849 (cited by Labcorp Genetics (formerly Invitae), Labcorp); PubMed 20507924 (cited by Labcorp Genetics (formerly Invitae), Labcorp); PubMed 25649381 (cited by Labcorp Genetics (formerly Invitae), Labcorp); PubMed 28041643 (cited by Labcorp Genetics (formerly Invitae), Labcorp and NIHR Bioresource Rare Diseases, University of Cambridge); PubMed 27318125 (cited by Natera, Inc.); PubMed 18273898 (cited by Ocular Genomics Institute, Massachusetts Eye and Ear and NIHR Bioresource Rare Diseases, University of Cambridge); PubMed 24944099 (cited by Eurofins Ntd Llc (ga) and Counsyl).